The following is an entry in ClinVar:

ClinVar aggregate classification (germline): Benign/Likely benign. Review status: criteria provided, multiple submitters, no conflicts (2 of 4 stars). 2 submissions from 2 submitters: Benign (1); Likely benign (1). Last evaluated 2025-10-14.

Allele frequency attached by ClinVar (database versions not stated): TOPMed 0.00004; gnomAD 0.00015; gnomAD exomes 0.00019; ExAC 0.00044; 1000 Genomes Project 0.00100; 1000 Genomes Project 30x 0.00109.
gnomAD v4.1: 317 of 1,613,350 alleles (0.02%); highest among the groups gnomAD compares: South Asian, 0.32%; 3 homozygotes.

Submissions (2):

Labcorp Genetics (formerly Invitae), Labcorp
Classification: Benign. Last evaluated: 2025-10-14. Review status: criteria provided, single submitter. Criteria: Invitae Variant Classification Sherloc (09022015). Collection method: clinical testing. Allele origin: germline.

CeGaT Center for Human Genetics Tuebingen
Classification: Likely benign. Last evaluated: 2025-08-01. Review status: criteria provided, single submitter. Criteria: CeGaT Center For Human Genetics Tuebingen Variant Classification Criteria Version 2. Collection method: clinical testing. Allele origin: germline. Affected: yes. Observed: 1 variant allele.
Comment: TRRAP: BP4, BP7

NM_001375524.1(TRRAP):c.4149G>A (p.Arg1383=)

Gene: TRRAP (transformation/transcription domain associated protein; plus strand). Cytogenetic location: 7q22.1.
Variant type: single nucleotide variant.
Coding change: c.4149G>A on transcript NM_001375524.1 (MANE Select); coding-DNA position 4149, G replaced by A.
Protein change: p.Arg1383=; no amino-acid change (arginine 1383 retained).
Molecular consequence: synonymous variant.
Genome position (GRCh38, 1-based): chr7:98,937,193, G>A. VCF-style: chr7-98937193-G-A. GRCh37 (hg19) VCF-style: chr7-98534816-G-A.
Other names: c.4149G>A, p.Arg1383= (NM_001244580.2, NM_003496.4).
Identifiers: ClinVar variation 2144762 (VCV002144762.12), dbSNP rs368076451, ClinGen allele CA4360173.